The following is an entry in ClinVar:

ClinVar aggregate classification (germline): Uncertain significance (1 of 4 stars; one submission).

Conditions:
Hyper-IgE recurrent infection syndrome 1, autosomal dominant. Also called: HYPER-IgE SYNDROME 1, AUTOSOMAL DOMINANT, WITH RECURRENT INFECTIONS; STAT3 Hyper IgE Syndrome; Hyper-IgE recurrent infection syndrome 1; JOB SYNDROME; Job's Syndrome. Identifiers: Orphanet 2314, MedGen C2936739, MONDO:0007818, OMIM 147060.
STAT3 gain of function. Identifiers: MedGen C4288261.

Allele frequency attached by ClinVar (database versions not stated): gnomAD exomes below 0.00001; TOPMed below 0.00001; ExAC 0.00001; ESP Exome Variant Server 0.00008.
gnomAD v4.1: 3 of 1,614,222 alleles (0.00019%); highest among the groups gnomAD compares: Non-Finnish European, 0.00025%; no homozygotes.

Submission:

Labcorp Genetics (formerly Invitae), Labcorp
Classification: Uncertain significance for STAT3 gain of function; Hyper-IgE recurrent infection syndrome 1, autosomal dominant. Last evaluated: 2022-07-23. Review status: criteria provided, single submitter. Criteria: Invitae Variant Classification Sherloc (09022015). Collection method: clinical testing. Allele origin: germline.
Comment: This sequence change falls in intron 13 of the STAT3 gene. It does not directly change the encoded amino acid sequence of the STAT3 protein. It affects a nucleotide within the consensus splice site. In summary, the available evidence is currently insufficient to determine the role of this variant in disease. Therefore, it has been classified as a Variant of Uncertain Significance. Variants that disrupt the consensus splice site are a relatively common cause of aberrant splicing (PMID: 17576681, 9536098). Algorithms developed to predict the effect of sequence changes on RNA splicing suggest that this variant is not likely to affect RNA splicing. This variant has not been reported in the literature in individuals affected with STAT3-related conditions. This variant is present in population databases (rs369474294, gnomAD 0.01%).

Literature cited by the submitters: PubMed 17576681; PubMed 9536098.

NM_139276.3(STAT3):c.1233+4T>C

Gene: STAT3 (signal transducer and activator of transcription 3; minus strand). Cytogenetic location: 17q21.2.
Variant type: single nucleotide variant.
Coding change: c.1233+4T>C on transcript NM_139276.3 (MANE Select); 4 bases into the intron after coding-DNA position 1233, T replaced by C.
Molecular consequence: intron variant.
Genome position (GRCh38, 1-based): chr17:42,329,550, A>G on the plus strand (T>C on the coding strand, the complement: STAT3 is on the minus strand). VCF-style: chr17-42329550-A-G. GRCh37 (hg19) VCF-style: chr17-40481568-A-G.
Other names: c.1137+4T>C (NM_001384989.1); c.1173+4T>C (NM_001384992.1); c.1233+4T>C (NM_001384984.1, NM_001369519.1, NM_003150.4 and 12 more transcripts); c.1155+4T>C (NM_001384985.1); c.1248+4T>C (NM_001384986.1, NM_001384990.1).
Identifiers: ClinVar variation 1974627 (VCV001974627.5), dbSNP rs369474294, ClinGen allele CA8575411.